The following is an entry in ClinVar:

NM_001375524.1(TRRAP):c.3949A>T (p.Thr1317Ser)

Gene: TRRAP (transformation/transcription domain associated protein; plus strand). Cytogenetic location: 7q22.1.
Variant type: single nucleotide variant.
Coding change: c.3949A>T on transcript NM_001375524.1 (MANE Select); coding-DNA position 3949, A replaced by T.
Protein change: p.Thr1317Ser; replaces threonine 1317 with serine.
Molecular consequence: missense variant.
Genome position (GRCh38, 1-based): chr7:98,933,337, A>T. VCF-style: chr7-98933337-A-T. GRCh37 (hg19) VCF-style: chr7-98530960-A-T.
Other names: c.3949A>T, p.Thr1317Ser (NM_001244580.2, NM_003496.4); short protein forms T1317S.
Identifiers: ClinVar variation 4695600 (VCV004695600.1).
Genomic context (GRCh38, chr7:98,933,337, plus strand): 5'-CTCCGACACCAGCCTGCCAACGCACAGATTGGCCTGATGGAGGGGAACACGTTCTGTACC[A>T]CGTTGCAGCCCAGGCTCTTCACAATGGACCTTAACGTGGTGGAGCATAAGGTGTTCTACA-3'
Protein context (NP_001362453.1, residues 1307-1327): GLMEGNTFCT[Thr1317Ser]LQPRLFTMDL

ClinVar aggregate classification (germline): Uncertain significance (1 of 4 stars; one submission).

gnomAD v4.1: 2 of 1,614,134 alleles (0.00012%); highest among the groups gnomAD compares: Admixed American, 0.0017%; no homozygotes.

Submission:

Labcorp Genetics (formerly Invitae), Labcorp
Classification: Uncertain significance. Last evaluated: 2025-10-02. Review status: criteria provided, single submitter. Criteria: Invitae Variant Classification Sherloc (09022015). Collection method: clinical testing. Allele origin: germline.
Comment: This sequence change replaces threonine, which is neutral and polar, with serine, which is neutral and polar, at codon 1317 of the TRRAP protein (p.Thr1317Ser). This variant is not present in population databases (gnomAD no frequency). This variant has not been reported in the literature in individuals affected with TRRAP-related conditions. Invitae Evidence Modeling of protein sequence and biophysical properties (such as structural, functional, and spatial information, amino acid conservation, physicochemical variation, residue mobility, and thermodynamic stability) indicates that this missense variant is not expected to disrupt TRRAP protein function with a negative predictive value of 80%. In summary, the available evidence is currently insufficient to determine the role of this variant in disease. Therefore, it has been classified as a Variant of Uncertain Significance.